The following is an entry in ClinVar:

NM_006059.4(LAMC3):c.784G>A (p.Val262Met)

Gene: LAMC3 (laminin subunit gamma 3; plus strand). Cytogenetic location: 9q34.12.
Variant type: single nucleotide variant.
Coding change: c.784G>A on transcript NM_006059.4 (MANE Select); coding-DNA position 784, G replaced by A.
Protein change: p.Val262Met; replaces valine 262 with methionine.
Molecular consequence: missense variant.
Genome position (GRCh38, 1-based): chr9:131,032,150, G>A. VCF-style: chr9-131032150-G-A. GRCh37 (hg19) VCF-style: chr9-133907537-G-A.
Other names: short protein forms V262M.
Identifiers: ClinVar variation 1498913 (VCV001498913.5), dbSNP rs1307802701, ClinGen allele CA375254603.

ClinVar aggregate classification (germline): Uncertain significance (1 of 4 stars; one submission).

Allele frequency attached by ClinVar (database versions not stated): gnomAD 0.00001; gnomAD exomes 0.00001.
gnomAD v4.1: 18 of 1,612,534 alleles (0.0011%); highest among the groups gnomAD compares: Middle Eastern, 0.016%; no homozygotes.

Submission:

Labcorp Genetics (formerly Invitae), Labcorp
Classification: Uncertain significance. Last evaluated: 2021-09-24. Review status: criteria provided, single submitter. Criteria: Invitae Variant Classification Sherloc (09022015). Collection method: clinical testing. Allele origin: germline.
Comment: This sequence change replaces valine with methionine at codon 262 of the LAMC3 protein (p.Val262Met). The valine residue is moderately conserved and there is a small physicochemical difference between valine and methionine. This variant is not present in population databases (ExAC no frequency). This variant has not been reported in the literature in individuals with LAMC3-related conditions. Algorithms developed to predict the effect of missense changes on protein structure and function are either unavailable or do not agree on the potential impact of this missense change (SIFT: "Deleterious"; PolyPhen-2: "Probably Damaging"; Align-GVGD: "Class C0"). In summary, the available evidence is currently insufficient to determine the role of this variant in disease. Therefore, it has been classified as a Variant of Uncertain Significance.